The following continues an entry in ClinVar:

NM_000238.4(KCNH2):c.2707G>A (p.Gly903Arg)

Gene: KCNH2. ClinVar aggregate classification (germline): Conflicting classifications of pathogenicity. Uncertain significance (8); Likely benign (2).

Submissions 8 to 13 of 13:

New York Genome Center
Classification: Uncertain significance for Long QT syndrome 2; Short QT syndrome type 1. Last evaluated: 2022-03-31. Review status: criteria provided, single submitter. Criteria: NYGC Assertion Criteria 2020. Collection method: clinical testing. Allele origin: germline. Observed: 1 heterozygote.
Comment: The c.2707G>A variant has previously been reported in literature as Variant of Uncertain Significance [PMID: 19716085, 28988457, 31737537, 30847666, 32048431] and it has also been deposited in ClinVar [ClinVar ID: 67428] as Variant of Uncertain Significance by multiple submitters. The c.2707G>A variant is observed in 127 alleles (~0.027% MAF with 0 homozygotes) in population databases (gnomAD v2.1.1 and v3.1.2, TOPMed Freeze 8), suggesting it is not a common benign variant inthe populations represented in those databases, which might include individuals with cardiac phenotypes. The c.2707G>A variant is located in exon 12 of this 15-exon gene, and predicted to replace an evolutionarily conserved glycine amino acid with arginine at position 903 in the second disordered region of the encoded protein [UniProtKB ID: Q12809]. Patch-clamp assays with transfected HEK293 cell lines demonstrated modestly accelerated rates of channel deactivation for p.(Gly903Arg) variant compared to wild-type allele [PMID: 31557540]. In silico predictions are also moderately in favor of damaging effect for the p.(Gly903Arg) variant (CADD v1.6 =23.3, REVEL = 0.745). Based on available evidence this c.2707G>A p.(Gly903Arg) variant identified in KCNH2 is classified as a Variant of Uncertain Significance.

Fulgent Genetics
Classification: Uncertain significance for Short QT syndrome type 1; Long QT syndrome 2. Last evaluated: 2021-10-14. Review status: criteria provided, single submitter. Criteria: ACMG Guidelines, 2015. Collection method: clinical testing. Allele origin: unknown.

Laboratory for Molecular Medicine, Mass General Brigham Personalized Medicine
Classification: Uncertain significance. Last evaluated: 2017-01-24. Review status: criteria provided, single submitter. Criteria: LMM Criteria. Collection method: clinical testing. Allele origin: germline.
Comment: Variant identified in a genome or exome case(s) and assessed due to predicted null impact of the variant or pathogenic assertions in the literature or databases. Disclaimer: This variant has not undergone full assessment. The following are preliminary notes: This variant has been seen in 3 patients referred for LQTS genetic testing. The variant is not in ExAC. It is classified with 1 star in ClinVar as VUS by GeneDx.

Cardiovascular Biomedical Research Unit, Royal Brompton & Harefield NHS Foundation Trust
No classification provided. Condition: Familial long QT syndrome. Review status: no classification provided. Collection method: literature only. Allele origin: germline. Not counted in ClinVar's aggregate classification.
Comment: This variant has been reported as associated with Long QT syndrome in the following publications (PMID:19716085). This is a literature report, and does not necessarily reflect the clinical interpretation of the Imperial College / Royal Brompton Cardiovascular Genetics laboratory.

Clinical Genetics DNA and cytogenetics Diagnostics Lab, Erasmus MC, Erasmus Medical Center
Classification: Uncertain significance. Review status: no assertion criteria provided. Collection method: clinical testing. Allele origin: germline. Affected: yes. Study: VKGL Data-share Consensus. Not counted in ClinVar's aggregate classification.

Clinical Genetics, Academic Medical Center
Classification: Uncertain significance. Review status: no assertion criteria provided. Collection method: clinical testing. Allele origin: germline. Affected: yes. Study: VKGL Data-share Consensus. Not counted in ClinVar's aggregate classification.

Literature cited by the submitters: PubMed 19716085 (cited by 6 submitters); PubMed 27000522 (cited by 5 submitters); PubMed 37937776 (cited by Labcorp Genetics (formerly Invitae), Labcorp); PubMed 31557540 (cited by 5 submitters); PubMed 32893267 (cited by Color Diagnostics, LLC DBA Color Health); PubMed 34002542 (cited by 4 submitters); PubMed 37449562 (cited by Color Diagnostics, LLC DBA Color Health and All of Us Research Program, National Institutes of Health); PubMed 37589201 (cited by Color Diagnostics, LLC DBA Color Health and All of Us Research Program, National Institutes of Health); PubMed 30847666 (cited by Women's Health and Genetics/Laboratory Corporation of America, LabCorp and Ambry Genetics); PubMed 31737537 (cited by Women's Health and Genetics/Laboratory Corporation of America, LabCorp and Ambry Genetics); PubMed 22581653 (cited by Cardiovascular Biomedical Research Unit, Royal Brompton & Harefield NHS Foundation Trust).